The following is an entry in ClinVar:

NM_001127208.3(TET2):c.294_295insCA (p.Ser99fs)

Genes: TET2 (tet methylcytosine dioxygenase 2; plus strand), TET2-AS1 (TET2 antisense RNA 1; minus strand). Cytogenetic location: 4q24.
Variant type: Insertion.
Coding change: c.294_295insCA on transcript NM_001127208.3 (MANE Select); coding-DNA positions 294 to 295, CA inserted.
Protein change: p.Ser99fs; shifts the reading frame from serine 99.
Molecular consequence: frameshift variant.
Genome position: GRCh38 VCF-style: chr4-105234236-T-TCA. GRCh37 (hg19) VCF-style: chr4-106155393-T-TCA.
Other names: c.294_295insCA, p.Ser99fs (NM_017628.4); short protein forms S99fs.
Identifiers: ClinVar variation 2012161 (VCV002012161.4), dbSNP rs2476478959, ClinGen allele CA2580071292.

ClinVar aggregate classification (germline): Pathogenic (1 of 4 stars; one submission).

Submission:

Labcorp Genetics (formerly Invitae), Labcorp
Classification: Pathogenic. Last evaluated: 2024-02-23. Review status: criteria provided, single submitter. Criteria: Invitae Variant Classification Sherloc (09022015). Collection method: clinical testing. Allele origin: germline.
Comment: This sequence change creates a premature translational stop signal (p.Ser99Glnfs*15) in the TET2 gene. It is expected to result in an absent or disrupted protein product. Loss-of-function variants in TET2 are known to be pathogenic (PMID: 36066697). This variant is not present in population databases (gnomAD no frequency). This variant has not been reported in the literature in individuals affected with TET2-related conditions. ClinVar contains an entry for this variant (Variation ID: 2012161). For these reasons, this variant has been classified as Pathogenic.

Literature cited by the submitters: PubMed 36066697.